The following is an entry in ClinVar:

ClinVar aggregate classification (germline): Pathogenic (1 of 4 stars; one submission).

Conditions:
Fanconi anemia (FA). Also called: Fanconi's anemia. Identifiers: Orphanet 84, MedGen C0015625, MeSH D005199, MONDO:0019391.

Submission:

Labcorp Genetics (formerly Invitae), Labcorp
Classification: Pathogenic for Fanconi anemia. Last evaluated: 2019-03-01. Review status: criteria provided, single submitter. Criteria: Invitae Variant Classification Sherloc (09022015). Collection method: clinical testing. Allele origin: germline.
Comment: For these reasons, this variant has been classified as Pathogenic. Sub-genic deletion of exon 15 has been determined to be pathogenic (PMID: 17924555, 24689079). Therefore, deletions that fully encompass that region are also expected to be pathogenic. This variant has not been reported in the literature in individuals with FANCA-related conditions. This variant is an in-frame deletion of the genomic region encompassing exons 9-27 of the FANCA gene. It preserves the integrity of the reading frame.

Literature cited by the submitters: PubMed 17924555; PubMed 24689079.

NC_000016.10:g.(?_89767131)_(89799648_?)del

Gene: FANCA (FA complementation group A; minus strand). Cytogenetic location: 16q24.3.
Variant type: Deletion.
Identifiers: ClinVar variation 831984 (VCV000831984.7).